The following continues an entry in ClinVar:

NM_000051.4(ATM):c.8266A>T (p.Lys2756Ter)

ClinVar aggregate classification (germline): Pathogenic. Pathogenic (1).

Submission 26 of 26:

Department of Pathology and Laboratory Medicine, Sinai Health System
Classification: Pathogenic for Familial ovarian cancer. Review status: no assertion criteria provided. Collection method: clinical testing. Allele origin: unknown. Affected: yes. Observed: 1 variant allele. Study: The Canadian Open Genetics Repository (COGR). Not counted in ClinVar's aggregate classification.
Comment: The ATM p.Lys2756* variant was identified in 9 of 23570 proband chromosomes (frequency: 0.0004) from individuals or families with breast or pancreatic cancer or ataxia-telangiectasia and was not identified in 582 control chromosomes from healthy individuals (Aloraifi 2015, Susswein 2015, Maxwell 2014, Desmond 2015, Buzin 2003, Roberts 2012, Stankovic 1998, Telatar 1996). In one of these studies, the variant was found to segregate with disease in the affected pancreatic kindred and tumour analysis showed loss of wildtype allele (Roberts 2012).The variant was also identified in dbSNP (ID: rs371638537 as â€šÃ„ÃºWith Pathogenic, Uncertain significance alleleâ€šÃ„Ã¹), ClinVar (classified pathogenic by Invitae, Ambry Genetics, GeneDx, Color Genomics and Integrated Genetics/Laboratory Corporation of America and as likely pathogenic by Counsyl), Cosmic (in a lymphoid neoplasm/CLL), and LOVD 3.0 (1x). The variant was not identified in GeneInsight-COGR or MutDB databases. The variant was identified in control databases in 5 of 276440 chromosomes at a frequency of 0.00002 (Genome Aggregation Database Feb 27, 2017), specifically in the European Non-Finnish population in 5 of 126164 chromosomes (freq: 0.00004) and was not observed in the African, Other, Latino, Ashkenazi Jewish, East Asian, European Finnish, or South Asian populations. The variant was found to co-occur with several pathogenic variants: CHEK2 c.1100delC p.Thr367Metfs*15; CHEK2 c.1263delT p.Ser422Valfs*15; and CHEK2 c.444+1G>A in 3 breast cancer patients and ATM c.2250G>A, c.2125del126; and ATM c.1058_1059delGT in 2 ataxia-telangiectasia patients (Teraoka 1999, Skowronska 2012, Susswein 2015, Maxwell 2014). The ATM c.8266A>T variant also occurs in the last three bases of exon 56. This position has been shown to be part of the splicing consensus sequence and variants involving this position sometimes affect splicing. Further, 2 of 4 in silico or computational prediction software programs (SpliceSiteFinder, MaxEntScan, NNSPLICE, GeneSplicer, HumanSpliceFinder) predict a difference in splicing. The p.Lys2756* variant is predicted to create a premature stop codon at position 2756, which is then predicted to lead to a truncated or absent protein and loss of function. Loss of function variants of the ATM gene are an established mechanism of disease in hereditary breast and ovarian cancer and is the type of variant expected to cause the disorder. In summary, based on the above information this variant meets our laboratoryâ€šÃ„Ã´s criteria to be classified as pathogenic.

Literature cited by the submitters: PubMed 23807571 (cited by Labcorp Genetics (formerly Invitae), Labcorp); PubMed 25614872 (cited by Labcorp Genetics (formerly Invitae), Labcorp); PubMed 8659541 (cited by 9 submitters); PubMed 9463314 (cited by 6 submitters); PubMed 10330348 (cited by 7 submitters); PubMed 11756185 (cited by Labcorp Genetics (formerly Invitae), Labcorp); PubMed 12552559 (cited by 7 submitters); PubMed 21933854 (cited by 4 submitters); PubMed 22585167 (cited by 8 submitters); PubMed 25503501 (cited by 3 submitters); PubMed 26094658 (cited by 5 submitters); PubMed 26681312 (cited by 4 submitters); PubMed 28007021 (cited by Labcorp Genetics (formerly Invitae), Labcorp); PubMed 30549301 (cited by 4 submitters); PubMed 26270727 (cited by 3 submitters); PubMed 26896183 (cited by Mayo Clinic Laboratories, Mayo Clinic); PubMed 28779002 (cited by Mayo Clinic Laboratories, Mayo Clinic); PubMed 30113427 (cited by Mayo Clinic Laboratories, Mayo Clinic); PubMed 30322717 (cited by 3 submitters); PubMed 28008555 (cited by Ambry Genetics and Color Diagnostics, LLC DBA Color Health); PubMed 20301790 (cited by Victorian Clinical Genetics Services, Murdoch Childrens Research Institute); PubMed 26506520 (cited by Victorian Clinical Genetics Services, Murdoch Childrens Research Institute); PubMed 27595995 (cited by Victorian Clinical Genetics Services, Murdoch Childrens Research Institute); PubMed 27884168 (cited by Victorian Clinical Genetics Services, Murdoch Childrens Research Institute); PubMed 27978560 (cited by Victorian Clinical Genetics Services, Murdoch Childrens Research Institute); PubMed 20305132 (cited by Color Diagnostics, LLC DBA Color Health); PubMed 21665257 (cited by Color Diagnostics, LLC DBA Color Health); PubMed 31050087 (cited by Sema4); PubMed 25326635 (cited by Baylor Genetics); PubMed 31285527 (cited by Quest Diagnostics Nichols Institute San Juan Capistrano); PubMed 31948886 (cited by Quest Diagnostics Nichols Institute San Juan Capistrano); PubMed 9872980 (cited by Quest Diagnostics Nichols Institute San Juan Capistrano and Counsyl); PubMed 12091354 (cited by Quest Diagnostics Nichols Institute San Juan Capistrano); PubMed 33471991 (cited by Quest Diagnostics Nichols Institute San Juan Capistrano).